The following is an entry in ClinVar:

ClinVar aggregate classification (germline): Uncertain significance (1 of 4 stars; one submission).

Submission:

Labcorp Genetics (formerly Invitae), Labcorp
Classification: Uncertain significance. Last evaluated: 2020-01-11. Review status: criteria provided, single submitter. Criteria: Invitae Variant Classification Sherloc (09022015). Collection method: clinical testing. Allele origin: germline.
Comment: In summary, the available evidence is currently insufficient to determine the role of this variant in disease. Therefore, it has been classified as a Variant of Uncertain Significance. Algorithms developed to predict the effect of missense changes on protein structure and function (SIFT, PolyPhen-2, Align-GVGD) all suggest that this variant is likely to be tolerated, but these predictions have not been confirmed by published functional studies and their clinical significance is uncertain. This variant has not been reported in the literature in individuals with ORC4-related conditions. This variant is not present in population databases (ExAC no frequency). This sequence change replaces serine with threonine at codon 306 of the ORC4 protein (p.Ser306Thr). The serine residue is weakly conserved and there is a small physicochemical difference between serine and threonine.

NM_181741.4(ORC4):c.917G>C (p.Ser306Thr)

Gene: ORC4 (origin recognition complex subunit 4; minus strand). Cytogenetic location: 2q23.1.
Variant type: single nucleotide variant.
Coding change: c.917G>C on transcript NM_181741.4 (MANE Select); coding-DNA position 917, G replaced by C.
Protein change: p.Ser306Thr; replaces serine 306 with threonine.
Molecular consequence: missense variant.
Genome position (GRCh38, 1-based): chr2:147,939,181, C>G on the plus strand (G>C on the coding strand, the complement: ORC4 is on the minus strand). VCF-style: chr2-147939181-C-G. GRCh37 (hg19) VCF-style: chr2-148696750-C-G.
Other names: c.917G>C, p.Ser306Thr (NM_001190879.3, NM_001374270.1, NM_002552.5 and 1 more transcripts); c.665G>C, p.Ser222Thr (NM_001190881.3, NM_001374272.1); c.695G>C, p.Ser232Thr (NM_001190882.3); short protein forms S222T, S232T, S306T.
Identifiers: ClinVar variation 1046162 (VCV001046162.9), dbSNP rs1688227991, ClinGen allele CA348711486.